The following is an entry in ClinVar:

ClinVar aggregate classification (germline): Benign/Likely benign. Review status: criteria provided, multiple submitters, no conflicts (2 of 4 stars). 6 submissions from 6 submitters: Benign (3); Likely benign (3). Last evaluated 2026-01-19.

Conditions:
Hereditary sensory neuropathy-deafness-dementia syndrome. Also called: HSN IE; Hereditary sensory neuropathy type IE; NEUROPATHY, HEREDITARY SENSORY, WITH HEARING LOSS AND DEMENTIA; Hereditary Sensory and Autonomic Neuropathy Type 1E (HSAN1E). Identifiers: Orphanet 456318, MedGen C3279885, MONDO:0013584, OMIM 614116.

Allele frequency attached by ClinVar (database versions not stated): 1000 Genomes Project 30x 0.00031; 1000 Genomes Project 0.00040; ESP Exome Variant Server 0.00077; ExAC 0.00097; gnomAD exomes 0.00105 and 0.00169; TOPMed 0.00107; gnomAD 0.00119 and 0.00123.
gnomAD v4.1: 2,642 of 1,614,172 alleles (0.16%); highest among the groups gnomAD compares: Non-Finnish European, 0.2%; 7 homozygotes.

Submissions (6):

Labcorp Genetics (formerly Invitae), Labcorp
Classification: Benign for Hereditary sensory neuropathy-deafness-dementia syndrome. Last evaluated: 2026-01-19. Review status: criteria provided, single submitter. Criteria: Invitae Variant Classification Sherloc (09022015). Collection method: clinical testing. Allele origin: germline.

Blueprint Genetics
Classification: Likely benign. Last evaluated: 2024-11-21. Review status: criteria provided, single submitter. Criteria: ACMG Guidelines, 2015. Collection method: clinical testing. Allele origin: germline.

ARUP Laboratories, Molecular Genetics and Genomics, ARUP Laboratories
Classification: Likely benign. Last evaluated: 2019-05-23. Review status: criteria provided, single submitter. Criteria: ARUP Molecular Germline Variant Investigation Process. Collection method: clinical testing. Allele origin: germline.

Illumina Laboratory Services, Illumina
Classification: Benign for Hereditary sensory neuropathy-deafness-dementia syndrome. Last evaluated: 2018-01-13. Review status: criteria provided, single submitter. Criteria: ICSL Variant Classification Criteria 13 December 2019. Collection method: clinical testing. Allele origin: germline.
Comment: This variant was observed in the ICSL laboratory as part of a predisposition screen in an ostensibly healthy population. It had not been previously curated by ICSL or reported in the Human Gene Mutation Database (HGMD: prior to June 1st, 2018), and was therefore a candidate for classification through an automated scoring system. Utilizing variant allele frequency, disease prevalence and penetrance estimates, and inheritance mode, an automated score was calculated to assess if this variant is too frequent to cause the disease. Based on the score and internal cut-off values, a variant classified as benign is not then subjected to further curation. The score for this variant resulted in a classification of benign for this disease.

GeneDx
Classification: Benign. Last evaluated: 2015-03-03. Review status: criteria provided, single submitter. Criteria: GeneDx Variant Classification Process June 2021. Collection method: clinical testing. Allele origin: germline. Affected: yes.

PreventionGenetics, part of Exact Sciences
Classification: Likely benign. Review status: criteria provided, single submitter. Criteria: ACMG Guidelines, 2015. Collection method: clinical testing. Allele origin: germline.

NM_001130823.3(DNMT1):c.768+12T>A

Gene: DNMT1 (DNA methyltransferase 1; minus strand). Cytogenetic location: 19p13.2.
Variant type: single nucleotide variant.
Coding change: c.768+12T>A on transcript NM_001130823.3 (MANE Select); 12 bases into the intron after coding-DNA position 768, T replaced by A.
Molecular consequence: intron variant.
Genome position (GRCh38, 1-based): chr19:10,173,078, A>T on the plus strand (T>A on the coding strand, the complement: DNMT1 is on the minus strand). VCF-style: chr19-10173078-A-T. GRCh37 (hg19) VCF-style: chr19-10283754-A-T.
Other names: c.405+12T>A (NM_001318731.2); c.720+12T>A (NM_001379.4, NM_001318730.2); c.768+12T>A (LRG_362t1).
Identifiers: ClinVar variation 257543 (VCV000257543.24), dbSNP rs189898346, ClinGen allele CA9188615.